The following is an entry in ClinVar:

NM_001287.6(CLCN7):c.296A>G (p.Tyr99Cys)

Gene: CLCN7 (Cl-/H+ antiporter 7; minus strand). Cytogenetic location: 16p13.3.
Variant type: single nucleotide variant.
Coding change: c.296A>G on transcript NM_001287.6 (MANE Select); coding-DNA position 296, A replaced by G.
Protein change: p.Tyr99Cys; replaces tyrosine 99 with cysteine.
Molecular consequence: missense variant.
Genome position (GRCh38, 1-based): chr16:1,461,460, T>C on the plus strand (A>G on the coding strand, the complement: CLCN7 is on the minus strand). VCF-style: chr16-1461460-T-C. GRCh37 (hg19) VCF-style: chr16-1511461-T-C.
Other names: c.224A>G, p.Tyr75Cys (NM_001114331.3); short protein forms Y99C, Y75C.
Identifiers: ClinVar variation 56890 (VCV000056890.52), dbSNP rs387907576, ClinGen allele CA264215.
Genomic context (GRCh38, chr16:1,461,460, plus strand): 5'-CTCACCGTGTGATTGATCCGCCGCTCCTCCTCCAGGAACAGCTGGTTCTCACTGTTGTCA[T>C]AGTCCAAGCTCTGCAGGCCGGGACAGCAAGGGCAGCACTCAGCACCGAACCCACGCTCTG-3'
Protein context (NP_001278.1, residues 89-109): LLSLKYESLD[Tyr99Cys]DNSENQLFLE

ClinVar aggregate classification (germline): Pathogenic/Likely pathogenic. Review status: criteria provided, multiple submitters, no conflicts (2 of 4 stars). 7 submissions from 7 submitters: Pathogenic (3); Likely pathogenic (2). 2 of the submissions do not count toward it. Last evaluated 2026-03-10.

Conditions:
CLCN7-related disorder. Also called: CLCN7-related condition.
Autosomal recessive osteopetrosis 4. Also called: infantile malignant CLCN7-related recessive osteopetrosis; CLCN7-Related Osteopetrosis. Identifiers: Orphanet 667, MedGen C1969106, MONDO:0012676, OMIM 611490.
Autosomal dominant osteopetrosis 2. Also called: ALBERS-SCHONBERG DISEASE, AUTOSOMAL DOMINANT; MARBLE BONES, AUTOSOMAL DOMINANT; OSTEOSCLEROSIS FRAGILIS GENERALISATA; Autosomal Dominant Osteopetrosis Type II (ADOII); Osteopetroses; Marble bones. Identifiers: Orphanet 53, MedGen C3179239, MONDO:0008156, OMIM 166600.

Submissions (7):

Clinical Biomedical Laboratory, Shriners Hospital For Children - Canada
Classification: Pathogenic for Autosomal dominant osteopetrosis 2. Last evaluated: 2026-03-10. Review status: criteria provided, single submitter. Criteria: ACMG Guidelines, 2015. Collection method: clinical testing. Allele origin: germline. Affected: yes.
Comment: This variant has been previously reported in the literature as a cause of osteopetrosis (PMID: 26056022). The variant is not found in the Genome Aggregation Database (gnomAD browser, version 2.1.1). The variant is predicted to be damaging (Revel 0.89). Based on the ACMG variant interpretation guidelines, the available evidence supports classification of this variant as pathogenic.

Labcorp Genetics (formerly Invitae), Labcorp
Classification: Pathogenic. Last evaluated: 2024-11-21. Review status: criteria provided, single submitter. Criteria: Invitae Variant Classification Sherloc (09022015). Collection method: clinical testing. Allele origin: germline.
Comment: This sequence change replaces tyrosine, which is neutral and polar, with cysteine, which is neutral and slightly polar, at codon 99 of the CLCN7 protein (p.Tyr99Cys). This variant is not present in population databases (gnomAD no frequency). This missense change has been observed in individuals with autosomal dominant osteopetrosis (PMID: 23296056, 26056022, 30229577). It has also been observed to segregate with disease in related individuals. ClinVar contains an entry for this variant (Variation ID: 56890). Invitae Evidence Modeling of protein sequence and biophysical properties (such as structural, functional, and spatial information, amino acid conservation, physicochemical variation, residue mobility, and thermodynamic stability) indicates that this missense variant is expected to disrupt CLCN7 protein function with a positive predictive value of 95%. For these reasons, this variant has been classified as Pathogenic.

Blueprint Genetics
Classification: Likely pathogenic for CLCN7-related disorders. Last evaluated: 2021-05-04. Review status: criteria provided, single submitter. Criteria: ACMG Guidelines, 2015. Collection method: clinical testing. Allele origin: germline. Affected: yes. Observed: 2 variant alleles.

CeGaT Center for Human Genetics Tuebingen
Classification: Pathogenic. Last evaluated: 2019-08-01. Review status: criteria provided, single submitter. Criteria: CeGaT Center For Human Genetics Tuebingen Variant Classification Criteria Version 2. Collection method: clinical testing. Allele origin: germline. Affected: yes. Observed: 1 variant allele.

GeneDx
Classification: Likely pathogenic. Last evaluated: 2017-03-01. Review status: criteria provided, single submitter. Criteria: GeneDx Variant Classification (06012015). Collection method: clinical testing. Allele origin: germline. Affected: yes.
Comment: The Y99C variant in the CLCN7 gene has been reported previously in the heterozygous state in several unrelated individuals with osteopetrosis, including two families with segregation in multiple affected individuals (Del Fattore et al., 2006; Zheng et al., 2016; Sui et al., 2013). The Y99C variant is not observed in large population cohorts (Lek et al., 2016; 1000 Genomes Consortium et al., 2015; Exome Variant Server). The Y99C variant is a non-conservative amino acid substitution, which is likely to impact secondary protein structure as these residues differ in polarity, charge, size and/or other properties. This substitution occurs at a position that is conserved across species, and in silico analysis predicts this variant is probably damaging to the protein structure/function. The Y99C variant is a strong candidate for a pathogenic variant, however the possibility it may be a rare benign variant cannot be excluded.

GeneReviews
No classification provided. Condition: Autosomal recessive osteopetrosis 4. Review status: no classification provided. Collection method: literature only. Allele origin: unknown. Not counted in ClinVar's aggregate classification.

Guangxi Key laboratory of Metabolic Diseases Research; Guilin 181st Hospital
Classification: Likely pathogenic for Osteopetrosis autosomal dominant type 2. Review status: no assertion criteria provided. Collection method: not provided. Allele origin: inherited. Not counted in ClinVar's aggregate classification.
Comment: Mutation associated with osteopetrosis
ClinVar note: Converted during submission from probable-pathogenic to Likely pathogenic.

Literature cited by the submitters: PubMed 26056022 (cited by Clinical Biomedical Laboratory, Shriners Hospital For Children - Canada and Labcorp Genetics (formerly Invitae), Labcorp); PubMed 23296056 (cited by Labcorp Genetics (formerly Invitae), Labcorp); PubMed 30229577 (cited by Labcorp Genetics (formerly Invitae), Labcorp); PubMed 16118345 (cited by GeneReviews); PubMed 20301306 (cited by GeneReviews); NCBI Bookshelf NBK1127 (cited by GeneReviews).